The following is an entry in ClinVar:

NM_013382.7(POMT2):c.248+5G>A

Gene: POMT2 (protein O-mannosyltransferase 2; minus strand). Cytogenetic location: 14q24.3.
Variant type: single nucleotide variant.
Coding change: c.248+5G>A on transcript NM_013382.7 (MANE Select); 5 bases into the intron after coding-DNA position 248, G replaced by A.
Molecular consequence: intron variant.
Genome position (GRCh38, 1-based): chr14:77,320,429, C>T on the plus strand (G>A on the coding strand, the complement: POMT2 is on the minus strand). VCF-style: chr14-77320429-C-T. GRCh37 (hg19) VCF-style: chr14-77786772-C-T.
Identifiers: ClinVar variation 2128444 (VCV002128444.4), dbSNP rs587777816, ClinGen allele CA2580088812.
Genomic context (GRCh38, chr14:77,320,429, plus strand): 5'-CCAATCAGAGGGCGGCGTCCCGTCGCGGTTGCCATGGTGCCCGCCGAGTCCCTCCCATCA[C>T]TCACCAGATGTGCGGCGGCTCGTCCAAGCGGTGGAAGCGGGTGGCGAAGGACAGCAGCGT-3'

ClinVar aggregate classification (germline): Uncertain significance (1 of 4 stars; one submission).

Conditions:
Muscular dystrophy-dystroglycanopathy (congenital with brain and eye anomalies), type A2. Also called: MUSCULAR DYSTROPHY-DYSTROGLYCANOPATHY (CONGENITAL WITH BRAIN AND EYE ANOMALIES), TYPE A, 2; WALKER-WARBURG SYNDROME OR MUSCLE-EYE-BRAIN DISEASE, POMT2-RELATED. Identifiers: Orphanet 588, Orphanet 899, MedGen C3150411, MONDO:0013154, OMIM 613150.
Autosomal recessive limb-girdle muscular dystrophy type 2N. Also called: MUSCULAR DYSTROPHY-DYSTROGLYCANOPATHY, LIMB-GIRDLE, POMT2-RELATED; Muscular dystrophy-dystroglycanopathy (limb-girdle), type C, 2. Identifiers: Orphanet 206559, MedGen C3150418, MONDO:0013162, OMIM 613158.
Muscular dystrophy-dystroglycanopathy (congenital with impaired intellectual development), type B, 2. Also called: Muscular dystrophy-dystroglycanopathy (congenital with intellectual disability), type B2; MUSCULAR DYSTROPHY, CONGENITAL, POMT2-RELATED. Identifiers: MedGen C3150416, MONDO:0013160, OMIM 613156.

Submission:

Labcorp Genetics (formerly Invitae), Labcorp
Classification: Uncertain significance for Muscular dystrophy-dystroglycanopathy (congenital with impaired intellectual development), type B, 2; Muscular dystrophy-dystroglycanopathy (congenital with brain and eye anomalies), type A2; Autosomal recessive limb-girdle muscular dystrophy type 2N. Last evaluated: 2022-04-20. Review status: criteria provided, single submitter. Criteria: Invitae Variant Classification Sherloc (09022015). Collection method: clinical testing. Allele origin: germline.
Comment: In summary, the available evidence is currently insufficient to determine the role of this variant in disease. Therefore, it has been classified as a Variant of Uncertain Significance. This variant disrupts the c.248+5G nucleotide in the POMT2 gene. Other variant(s) that disrupt this nucleotide have been determined to be pathogenic (PMID: 19138766). This suggests that this nucleotide is clinically significant, and that variants that disrupt this position are likely to be disease-causing. Variants that disrupt the consensus splice site are a relatively common cause of aberrant splicing (PMID: 17576681, 9536098). Algorithms developed to predict the effect of sequence changes on RNA splicing suggest that this variant may disrupt the consensus splice site. This sequence change falls in intron 1 of the POMT2 gene. It does not directly change the encoded amino acid sequence of the POMT2 protein. It affects a nucleotide within the consensus splice site. This variant is not present in population databases (gnomAD no frequency). This variant has not been reported in the literature in individuals affected with POMT2-related conditions.

Literature cited by the submitters: PubMed 19138766; PubMed 17576681; PubMed 9536098.